The following is an entry in ClinVar:

NM_000937.5(POLR2A):c.160C>T (p.Leu54Phe)

Gene: POLR2A (RNA polymerase II subunit A; plus strand). Cytogenetic location: 17p13.1.
Variant type: single nucleotide variant.
Coding change: c.160C>T on transcript NM_000937.5 (MANE Select); coding-DNA position 160, C replaced by T.
Protein change: p.Leu54Phe; replaces leucine 54 with phenylalanine.
Molecular consequence: missense variant.
Genome position (GRCh38, 1-based): chr17:7,496,007, C>T. VCF-style: chr17-7496007-C-T. GRCh37 (hg19) VCF-style: chr17-7399326-C-T.
Other names: short protein forms L54F.
Identifiers: ClinVar variation 3372031 (VCV003372031.1).
Genomic context (GRCh38, chr17:7,496,007, plus strand): 5'-ATGTCTGTGACGGAGGGTGGCATCAAATACCCAGAGACGACTGAGGGAGGCCGCCCCAAG[C>T]TTGGGGGGCTGATGGACCCGAGGCAGGGGGTGATTGAGCGGACTGGCCGCTGCCAAACAT-3'
Protein context (NP_000928.1, residues 44-64): PETTEGGRPK[Leu54Phe]GGLMDPRQGV

ClinVar aggregate classification (germline): Uncertain significance (1 of 4 stars; one submission).

Submission:

GeneDx
Classification: Uncertain significance. Last evaluated: 2024-04-04. Review status: criteria provided, single submitter. Criteria: GeneDx Variant Classification Process June 2021. Collection method: clinical testing. Allele origin: germline. Affected: yes.
Comment: Not observed at significant frequency in large population cohorts (gnomAD); In silico analysis supports that this missense variant has a deleterious effect on protein structure/function; Has not been previously published as pathogenic or benign to our knowledge